The following is an entry in ClinVar:

NM_004963.4(GUCY2C):c.2989_2995del (p.Thr997fs)

Genes: GUCY2C (guanylate cyclase 2C; minus strand), PLBD1-AS1 (PLBD1 antisense RNA 1; plus strand). Cytogenetic location: 12p12.3.
Variant type: Deletion.
Coding change: c.2989_2995del on transcript NM_004963.4 (MANE Select); coding-DNA positions 2989 to 2995, 7 bases deleted (ACCTACT; older notation c.2989_2995delACCTACT).
Protein change: p.Thr997fs; shifts the reading frame from threonine 997.
Molecular consequence: frameshift variant.
Genome position (GRCh38, 1-based): chr12:14,614,919-14,614,925, AGTAGGT deleted on the plus strand (ACCTACT on the coding strand, the reverse complement: GUCY2C is on the minus strand); deleting any 7 consecutive bases within chr12:14,614,919-14,614,928 gives the same sequence; the c. name uses the placement nearest the transcript's 3' end. VCF-style (leftmost placement, unchanged base first): chr12-14614918-CAGTAGGT-C. GRCh37 (hg19) VCF-style: chr12-14767852-CAGTAGGT-C.
Other names: short protein forms T997fs.
Identifiers: ClinVar variation 2997013 (VCV002997013.3), dbSNP rs1946725623, ClinGen allele CA2017925833.

ClinVar aggregate classification (germline): Uncertain significance (1 of 4 stars; one submission).

Submission:

Labcorp Genetics (formerly Invitae), Labcorp
Classification: Uncertain significance. Last evaluated: 2024-01-27. Review status: criteria provided, single submitter. Criteria: Invitae Variant Classification Sherloc (09022015). Collection method: clinical testing. Allele origin: germline.
Comment: This sequence change creates a premature translational stop signal (p.Thr997Glyfs*2) in the GUCY2C gene. It is expected to result in an absent or disrupted protein product. However, the current clinical and genetic evidence is not sufficient to establish whether loss-of-function variants in GUCY2C cause disease. This variant is not present in population databases (gnomAD no frequency). This variant has not been reported in the literature in individuals affected with GUCY2C-related conditions. In summary, the available evidence is currently insufficient to determine the role of this variant in disease. Therefore, it has been classified as a Variant of Uncertain Significance.